The following is an entry in ClinVar:

NM_001044385.3(TMEM237):c.*2349C>T

Gene: TMEM237 (transmembrane protein 237; minus strand). Cytogenetic location: 2q33.1.
Variant type: single nucleotide variant.
Coding change: c.*2349C>T on transcript NM_001044385.3 (MANE Select); 2349 bases downstream of the stop codon, C replaced by T.
Molecular consequence: 3 prime UTR variant.
Genome position (GRCh38, 1-based): chr2:201,621,906, G>A on the plus strand (C>T on the coding strand, the complement: TMEM237 is on the minus strand). VCF-style: chr2-201621906-G-A. GRCh37 (hg19) VCF-style: chr2-202486629-G-A.
Other names: c.*2349C>T (NM_152388.4).
Identifiers: ClinVar variation 896116 (VCV000896116.4), dbSNP rs74884418, ClinGen allele CA63948562.
Genomic context (GRCh38, chr2:201,621,906, plus strand): 5'-ATGAATTCTCATCGACGGCCTCAGCAATGTGCCTCAAGTGTCACTGTGAGATCATTCCCT[G>A]CTTCCTGGAGACATGCATTAGCAGTGAACTTCTTCCAAACTTCCCTGTCATCACAGTCAA-3'

ClinVar aggregate classification (germline): Likely benign (1 of 4 stars; one submission).

Conditions:
Joubert syndrome 14 (JBTS14). Identifiers: MedGen C3280766, MONDO:0013745, OMIM 614424.

Allele frequency attached by ClinVar (database versions not stated): gnomAD 0.00399 and 0.00418; TOPMed 0.00446; 1000 Genomes Project 0.00499; 1000 Genomes Project 30x 0.00562.

Submission:

Illumina Laboratory Services, Illumina
Classification: Likely benign for Joubert syndrome 14. Last evaluated: 2018-01-13. Review status: criteria provided, single submitter. Criteria: ICSL Variant Classification Criteria 13 December 2019. Collection method: clinical testing. Allele origin: germline.
Comment: This variant was observed in the ICSL laboratory as part of a predisposition screen in an ostensibly healthy population. It had not been previously curated by ICSL or reported in the Human Gene Mutation Database (HGMD: prior to June 1st, 2018), and was therefore a candidate for classification through an automated scoring system. Utilizing variant allele frequency, disease prevalence and penetrance estimates, and inheritance mode, an automated score was calculated to assess if this variant is too frequent to cause the disease. Based on the score and internal cut-off values, a variant classified as likely benign is not then subjected to further curation. The score for this variant resulted in a classification of likely benign for this disease.